The following is an entry in ClinVar:

NM_000051.4(ATM):c.4807T>G (p.Tyr1603Asp)

Gene: ATM (ATM serine/threonine kinase; plus strand). Cytogenetic location: 11q22.3.
Variant type: single nucleotide variant.
Coding change: c.4807T>G on transcript NM_000051.4 (MANE Select); coding-DNA position 4807, T replaced by G.
Protein change: p.Tyr1603Asp; replaces tyrosine 1603 with aspartic acid.
Molecular consequence: missense variant.
Genome position (GRCh38, 1-based): chr11:108,294,957, T>G. VCF-style: chr11-108294957-T-G. GRCh37 (hg19) VCF-style: chr11-108165684-T-G.
Other names: c.4807T>G, p.Tyr1603Asp (NM_001351834.2); short protein forms Y1603D.
Identifiers: ClinVar variation 1505046 (VCV001505046.8), dbSNP rs994121421, ClinGen allele CA382536498.

ClinVar aggregate classification (germline): Uncertain significance (1 of 4 stars; one submission).

Conditions:
Ataxia-telangiectasia syndrome (AT). Also called: Cerebello-oculocutaneous telangiectasia; Immunodeficiency with ataxia telangiectasia; AT, COMPLEMENTATION GROUP C; ATAXIA-TELANGIECTASIA, COMPLEMENTATION GROUP A; ATAXIA-TELANGIECTASIA, FRESNO VARIANT; LOUIS-BAR SYNDROME. Identifiers: Orphanet 100, MedGen C0004135, MONDO:0008840, OMIM 208900.

Submission:

Labcorp Genetics (formerly Invitae), Labcorp
Classification: Uncertain significance for Ataxia-telangiectasia syndrome. Last evaluated: 2022-06-27. Review status: criteria provided, single submitter. Criteria: Invitae Variant Classification Sherloc (09022015). Collection method: clinical testing. Allele origin: germline.
Comment: This variant is not present in population databases (gnomAD no frequency). In summary, the available evidence is currently insufficient to determine the role of this variant in disease. Therefore, it has been classified as a Variant of Uncertain Significance. Advanced modeling of protein sequence and biophysical properties (such as structural, functional, and spatial information, amino acid conservation, physicochemical variation, residue mobility, and thermodynamic stability) performed at Invitae indicates that this missense variant is not expected to disrupt ATM protein function. This variant has not been reported in the literature in individuals affected with ATM-related conditions. This sequence change replaces tyrosine, which is neutral and polar, with aspartic acid, which is acidic and polar, at codon 1603 of the ATM protein (p.Tyr1603Asp).